The following is an entry in ClinVar:

NM_003906.5(MCM3AP):c.5098C>T (p.Arg1700Cys)

Genes: MCM3AP (minichromosome maintenance complex component 3 associated protein; minus strand), MCM3AP-AS1 (MCM3AP antisense RNA 1; plus strand). Cytogenetic location: 21q22.3.
Variant type: single nucleotide variant.
Coding change: c.5098C>T on transcript NM_003906.5 (MANE Select); coding-DNA position 5098, C replaced by T.
Protein change: p.Arg1700Cys; replaces arginine 1700 with cysteine.
Molecular consequence: missense variant.
Genome position (GRCh38, 1-based): chr21:46,243,663, G>A on the plus strand (C>T on the coding strand, the complement: MCM3AP is on the minus strand). VCF-style: chr21-46243663-G-A. GRCh37 (hg19) VCF-style: chr21-47663577-G-A.
Other names: c.5098C>T (NM_003906.4, NM_003906.3); short protein forms R1700C.
Identifiers: ClinVar variation 1397497 (VCV001397497.7), dbSNP rs568649385, ClinGen allele CA10075945.
Genomic context (GRCh38, chr21:46,243,663, plus strand): 5'-TACAGTAGGTTCTGTGGAGCAGGTTCTCCACCTGGGACTGGAGGACAGGCTGTGTCTGGC[G>A]TGAGCTGGGGATCTGGGAGGCGTACTGGACAACCATGGAGCACACGGGGAGCCAGGGGGC-3'
Protein context (NP_003897.2, residues 1690-1710): VQYASQIPSS[Arg1700Cys]QTQPVLQSQV

ClinVar aggregate classification (germline): Uncertain significance. Review status: criteria provided, multiple submitters, no conflicts (2 of 4 stars). 3 submissions from 3 submitters: Uncertain significance (3). Last evaluated 2026-05-28.

Conditions:
Inborn genetic diseases. Identifiers: MedGen C0950123, MeSH D030342.
MCM3AP-related disorder. Also called: MCM3AP-related condition.

Allele frequency attached by ClinVar (database versions not stated): TOPMed 0.00009; gnomAD 0.00012 and 0.00014; 1000 Genomes Project 30x 0.00016; 1000 Genomes Project 0.00020.
gnomAD v4.1: 61 of 1,614,230 alleles (0.0038%); highest among the groups gnomAD compares: African/African-American, 0.031%; no homozygotes.

Submissions (3):

PreventionGenetics, part of Exact Sciences
Classification: Uncertain significance for MCM3AP-related condition. Last evaluated: 2026-05-28. Review status: criteria provided, single submitter. Criteria: ACMG Guidelines, 2015. Collection method: clinical testing. Allele origin: germline.
Comment: The MCM3AP c.5098C>T variant is predicted to result in the amino acid substitution p.Arg1700Cys. To our knowledge, this variant has not been reported in the literature. This variant is reported in 0.040% of alleles in individuals of East Asian descent in gnomAD. At this time, the clinical significance of this variant is uncertain due to the absence of conclusive functional and genetic evidence.

Ambry Genetics
Classification: Uncertain significance for Inborn genetic diseases. Last evaluated: 2024-03-15. Review status: criteria provided, single submitter. Criteria: Ambry Variant Classification Scheme 2023. Collection method: clinical testing. Allele origin: germline.

Labcorp Genetics (formerly Invitae), Labcorp
Classification: Uncertain significance. Last evaluated: 2022-07-17. Review status: criteria provided, single submitter. Criteria: Invitae Variant Classification Sherloc (09022015). Collection method: clinical testing. Allele origin: germline.
Comment: This sequence change replaces arginine, which is basic and polar, with cysteine, which is neutral and slightly polar, at codon 1700 of the MCM3AP protein (p.Arg1700Cys). This variant is present in population databases (rs568649385, gnomAD 0.04%). This variant has not been reported in the literature in individuals affected with MCM3AP-related conditions. ClinVar contains an entry for this variant (Variation ID: 1397497). Algorithms developed to predict the effect of missense changes on protein structure and function output the following: SIFT: "Tolerated"; PolyPhen-2: "Benign"; Align-GVGD: "Class C0". The cysteine amino acid residue is found in multiple mammalian species, which suggests that this missense change does not adversely affect protein function. In summary, the available evidence is currently insufficient to determine the role of this variant in disease. Therefore, it has been classified as a Variant of Uncertain Significance.